The following is an entry in ClinVar:

NM_001042492.3(NF1):c.2716C>T (p.His906Tyr)

Gene: NF1 (neurofibromin 1; plus strand). Cytogenetic location: 17q11.2.
Variant type: single nucleotide variant.
Coding change: c.2716C>T on transcript NM_001042492.3 (MANE Select); coding-DNA position 2716, C replaced by T.
Protein change: p.His906Tyr; replaces histidine 906 with tyrosine.
Molecular consequence: missense variant.
Genome position (GRCh38, 1-based): chr17:31,229,331, C>T. VCF-style: chr17-31229331-C-T. GRCh37 (hg19) VCF-style: chr17-29556349-C-T.
Other names: c.2716C>T, p.His906Tyr (NM_000267.4); short protein forms H906Y.
Identifiers: ClinVar variation 2820350 (VCV002820350.4), dbSNP rs2151429502, ClinGen allele CA398985130.

ClinVar aggregate classification (germline): Uncertain significance. Review status: criteria provided, multiple submitters, no conflicts (2 of 4 stars). 2 submissions from 2 submitters: Uncertain significance (2). Last evaluated 2023-12-15.

Conditions:
Hereditary cancer-predisposing syndrome. Also called: Neoplastic Syndromes, Hereditary; Hereditary Cancer Syndrome; Hereditary neoplastic syndrome; Tumor predisposition. Identifiers: Orphanet 140162, MedGen C0027672, MeSH D009386, MONDO:0015356.
Cardiovascular phenotype. Identifiers: MedGen CN230736.
Neurofibromatosis, type 1 (NF1). Also called: VON RECKLINGHAUSEN DISEASE; Peripheral type neurofibromatosis; Neurofibromatosis, type I; NEUROFIBROMATOSIS, TYPE I, SOMATIC. Identifiers: Orphanet 636, MedGen C0027831, MONDO:0018975, OMIM 162200. Disease mechanism: loss of function.

Submissions (2):

Ambry Genetics
Classification: Uncertain significance for Cardiovascular phenotype; Hereditary cancer-predisposing syndrome. Last evaluated: 2023-12-15. Review status: criteria provided, single submitter. Criteria: Ambry Variant Classification Scheme 2023. Collection method: clinical testing. Allele origin: germline.
Comment: The p.H906Y variant (also known as c.2716C>T), located in coding exon 21 of the NF1 gene, results from a C to T substitution at nucleotide position 2716. The histidine at codon 906 is replaced by tyrosine, an amino acid with similar properties. This amino acid position is conserved. In addition, this alteration is predicted to be deleterious by in silico analysis. Since supporting evidence is limited at this time, the clinical significance of this alteration remains unclear.

Labcorp Genetics (formerly Invitae), Labcorp
Classification: Uncertain significance for Neurofibromatosis, type 1. Last evaluated: 2022-12-12. Review status: criteria provided, single submitter. Criteria: Invitae Variant Classification Sherloc (09022015). Collection method: clinical testing. Allele origin: germline.
Comment: In summary, the available evidence is currently insufficient to determine the role of this variant in disease. Therefore, it has been classified as a Variant of Uncertain Significance. Advanced modeling of protein sequence and biophysical properties (such as structural, functional, and spatial information, amino acid conservation, physicochemical variation, residue mobility, and thermodynamic stability) performed at Invitae indicates that this missense variant is expected to disrupt NF1 protein function. This variant has not been reported in the literature in individuals affected with NF1-related conditions. This variant is not present in population databases (gnomAD no frequency). This sequence change replaces histidine, which is basic and polar, with tyrosine, which is neutral and polar, at codon 906 of the NF1 protein (p.His906Tyr).